The following is an entry in ClinVar:

ClinVar aggregate classification (germline): Uncertain significance (1 of 4 stars; one submission).

Conditions:
Charcot-Marie-Tooth disease dominant intermediate B (CMTDIB). Also called: CHARCOT-MARIE-TOOTH NEUROPATHY, DOMINANT INTERMEDIATE B; Charcot-Marie-Tooth disease dominant intermediate 1; CMT DI1; Charcot-Marie-Tooth disease dominant intermediate I. Identifiers: Orphanet 100044, Orphanet 228179, MedGen C1847902, MONDO:0011674, OMIM 606482.

Submission:

Labcorp Genetics (formerly Invitae), Labcorp
Classification: Uncertain significance for Charcot-Marie-Tooth disease dominant intermediate B. Last evaluated: 2025-12-17. Review status: criteria provided, single submitter. Criteria: Invitae Variant Classification Sherloc (09022015). Collection method: clinical testing. Allele origin: germline.
Comment: This sequence change replaces serine, which is neutral and polar, with arginine, which is basic and polar, at codon 774 of the DNM2 protein (p.Ser774Arg). This variant is not present in population databases (gnomAD no frequency). This variant has not been reported in the literature in individuals affected with DNM2-related conditions. Invitae Evidence Modeling of protein sequence and biophysical properties (such as structural, functional, and spatial information, amino acid conservation, physicochemical variation, residue mobility, and thermodynamic stability) indicates that this missense variant is not expected to disrupt DNM2 protein function with a negative predictive value of 95%. In summary, the available evidence is currently insufficient to determine the role of this variant in disease. Therefore, it has been classified as a Variant of Uncertain Significance.

NM_001005361.3(DNM2):c.2320A>C (p.Ser774Arg)

Gene: DNM2 (dynamin 2; plus strand). Cytogenetic location: 19p13.2.
Variant type: single nucleotide variant.
Coding change: c.2320A>C on transcript NM_001005361.3 (MANE Select); coding-DNA position 2320, A replaced by C.
Protein change: p.Ser774Arg; replaces serine 774 with arginine.
Molecular consequence: missense variant.
Genome position (GRCh38, 1-based): chr19:10,830,155, A>C. VCF-style: chr19-10830155-A-C. GRCh37 (hg19) VCF-style: chr19-10940831-A-C.
Other names: c.2320A>C, p.Ser774Arg (NM_001005360.3, NM_001190716.2); c.2308A>C, p.Ser770Arg (NM_001005362.3, NM_004945.4); short protein forms S770R, S774R.
Identifiers: ClinVar variation 4802532 (VCV004802532.1).
Genomic context (GRCh38, chr19:10,830,155, plus strand): 5'-ATCTGTAGCTCACACCCTCTCCTTCCTCACAGCCCCACTCCACAGCGCCGACCGGTGTCC[A>C]GCATACACCCCCCTGGCCGGCCCCCAGCAGTGAGGGGCCCCACTCCAGGGCCCCCCCTGA-3'
Protein context (NP_001005361.1, residues 764-784): SPTPQRRPVS[Ser774Arg]IHPPGRPPAV